The following is an entry in ClinVar:

NM_000548.5(TSC2):c.3209C>T (p.Thr1070Met)

Gene: TSC2 (TSC complex subunit 2; plus strand). Cytogenetic location: 16p13.3.
Variant type: single nucleotide variant.
Coding change: c.3209C>T on transcript NM_000548.5 (MANE Select); coding-DNA position 3209, C replaced by T.
Protein change: p.Thr1070Met; replaces threonine 1070 with methionine.
Molecular consequence: missense variant.
Genome position (GRCh38, 1-based): chr16:2,079,353, C>T. VCF-style: chr16-2079353-C-T. GRCh37 (hg19) VCF-style: chr16-2129354-C-T.
Other names: c.3077C>T, p.Thr1026Met (NM_001077183.3, NM_001370404.1); c.3209C>T, p.Thr1070Met (NM_001114382.3); c.2969C>T, p.Thr990Met (NM_001318827.2); c.2933C>T, p.Thr978Met (NM_001318829.2); c.2477C>T, p.Thr826Met (NM_001318831.2); c.3110C>T, p.Thr1037Met (NM_001318832.2); c.3080C>T, p.Thr1027Met (NM_001363528.2, NM_001370405.1, NM_021055.3); short protein forms T1070M, T826M, T1026M, T1037M, T990M, T978M, T1027M.
Identifiers: ClinVar variation 428000 (VCV000428000.26), dbSNP rs147989574, ClinGen allele CA044749.
Genomic context (GRCh38, chr16:2,079,353, plus strand): 5'-TCCTCCTAGCGGGTGGCAGGACCAAAACCTGGCTGGTTGGGAACAAGCTTGTCACTGTGA[C>T]GACAAGCGTGGGAACCGGGACCCGGTCGTTACTAGGCCTGGACTCGGGGGAGCTGCAGTC-3'
Protein context (NP_000539.2, residues 1060-1080): WLVGNKLVTV[Thr1070Met]TSVGTGTRSL

ClinVar aggregate classification (germline): Conflicting classifications of pathogenicity. Review status: criteria provided, conflicting classifications (1 of 4 stars). 9 submissions from 9 submitters: Uncertain significance (3); Likely benign (6). Last evaluated 2026-01-28.

Conditions:
Tuberous sclerosis 2 (TSC2). Identifiers: Orphanet 805, MedGen C1860707, MONDO:0013199, OMIM 613254.
Tuberous sclerosis syndrome (TSC). Also called: Tuberous Sclerosis Complex; Tuberous sclerosis. Identifiers: Orphanet 805, MedGen C0041341, MONDO:0001734.
Hereditary cancer-predisposing syndrome. Also called: Tumor predisposition; Hereditary Cancer Syndrome; Hereditary neoplastic syndrome; Neoplastic Syndromes, Hereditary. Identifiers: Orphanet 140162, MedGen C0027672, MeSH D009386, MONDO:0015356.

Allele frequency attached by ClinVar (database versions not stated): gnomAD 0.00001; gnomAD exomes 0.00002 and 0.00003; TOPMed 0.00002; ExAC 0.00003; ESP Exome Variant Server 0.00008.
gnomAD v4.1: 32 of 1,612,810 alleles (0.002%); highest among the groups gnomAD compares: Non-Finnish European, 0.0025%; no homozygotes.

Submissions (9):

Labcorp Genetics (formerly Invitae), Labcorp
Classification: Likely benign for Tuberous sclerosis 2. Last evaluated: 2026-01-28. Review status: criteria provided, single submitter. Criteria: Invitae Variant Classification Sherloc (09022015). Collection method: clinical testing. Allele origin: germline.

Color Diagnostics, LLC DBA Color Health
Classification: Uncertain significance for Tuberous sclerosis syndrome. Last evaluated: 2025-06-05. Review status: criteria provided, single submitter. Criteria: ACMG Guidelines, 2015. Collection method: clinical testing. Allele origin: germline.
Comment: This missense variant replaces threonine with methionine at codon 1070 of the TSC2 protein. Computational prediction suggests that this variant may have deleterious impact on protein structure and function. To our knowledge, functional studies have not been reported for this variant. This variant was reported in an individual suspected of tuberous sclerosis complex in the literature (PMID: 32917966). This variant has been identified in 8/250272 chromosomes in the general population by the Genome Aggregation Database (gnomAD). The available evidence is insufficient to determine the role of this variant in disease conclusively. Therefore, this variant is classified as a Variant of Uncertain Significance.

Myriad Genetics, Inc.
Classification: Likely benign for Tuberous sclerosis 2. Last evaluated: 2024-08-15. Review status: criteria provided, single submitter. Criteria: Myriad Autosomal Dominant, Autosomal Recessive and X-Linked Classification Criteria (2023). Collection method: clinical testing. Allele origin: unknown.
Comment: This variant is considered likely benign. This variant has been observed at a population frequency that is significantly greater than expected given the associated disease prevalence and penetrance.

All of Us Research Program, National Institutes of Health
Classification: Uncertain significance for Tuberous sclerosis syndrome. Last evaluated: 2024-06-11. Review status: criteria provided, single submitter. Criteria: ACMG Guidelines, 2015. Collection method: clinical testing. Allele origin: germline. Inheritance: Autosomal dominant inheritance. Observed: 3 variant alleles, 3 heterozygotes.
Comment: This missense variant replaces threonine with methionine at codon 1070 of the TSC2 protein. Computational prediction suggests that this variant may have deleterious impact on protein structure and function (internally defined REVEL score threshold >= 0.7, PMID: 27666373). To our knowledge, functional studies have not been reported for this variant. This variant was reported in an individual suspected of tuberous sclerosis complex in the literature (PMID: 32917966). This variant has been identified in 8/250272 chromosomes in the general population by the Genome Aggregation Database (gnomAD). The available evidence is insufficient to determine the role of this variant in disease conclusively. Therefore, this variant is classified as a Variant of Uncertain Significance.

This study involves interpretation of variants in research participants for the purpose of population health screening. Participant phenotype was not available at the time of variant classification. Additional details can be found in publication PMID: 35346344, PMCID: PMC8962531

Blueprint Genetics
Classification: Likely benign. Last evaluated: 2023-12-05. Review status: criteria provided, single submitter. Criteria: ACMG Guidelines, 2015. Collection method: clinical testing. Allele origin: germline.

Ambry Genetics
Classification: Likely benign for Hereditary cancer-predisposing syndrome. Last evaluated: 2022-06-14. Review status: criteria provided, single submitter. Criteria: Ambry Variant Classification Scheme 2023. Collection method: clinical testing. Allele origin: germline.

Sema4
Classification: Uncertain significance for Hereditary cancer-predisposing syndrome. Last evaluated: 2022-03-05. Review status: criteria provided, single submitter. Criteria: Sema4 Curation Guidelines. Collection method: curation. Allele origin: germline.
Comment: The TSC2 c.3209C>T (p.T1070M) variant has been reported in at least one individual suspected to have tuberous sclerosis complex (PMID: 32917966). This variant was observed in 3/18382 chromosomes in the East Asian population according to the Genome Aggregation Database (PMID: 32461654). This variant has been reported in ClinVar (Variation ID: 428000). In silico tools suggest the impact of the variant on protein function is deleterious, though these predictions have not been confirmed by functional studies. The evidence is insufficient to meet ACMG/AMP criteria for classifying the variant as benign or pathogenic. Thus, the clinical significance of this variant is currently uncertain.

Genome-Nilou Lab
Classification: Likely benign for Tuberous sclerosis 2. Last evaluated: 2021-11-07. Review status: criteria provided, single submitter. Criteria: ACMG Guidelines, 2015. Collection method: clinical testing. Allele origin: germline. Affected: no.

GeneDx
Classification: Likely benign. Last evaluated: 2020-03-24. Review status: criteria provided, single submitter. Criteria: GeneDx Variant Classification Process June 2021. Collection method: clinical testing. Allele origin: germline. Affected: yes.
Comment: In silico analysis, which includes protein predictors and evolutionary conservation, supports a deleterious effect; Has not been previously published as pathogenic or benign to our knowledge

Literature cited by the submitters: PubMed 32917966 (cited by 3 submitters).